The following is an entry in ClinVar:

ClinVar aggregate classification (germline): Uncertain significance (1 of 4 stars; one submission).

Submission:

Labcorp Genetics (formerly Invitae), Labcorp
Classification: Uncertain significance. Last evaluated: 2025-05-31. Review status: criteria provided, single submitter. Criteria: Invitae Variant Classification Sherloc (09022015). Collection method: clinical testing. Allele origin: germline.
Comment: This variant, c.1734_1736del, results in the deletion of 1 amino acid(s) of the SNRNP200 protein (p.Glu579del), but otherwise preserves the integrity of the reading frame. This variant is not present in population databases (gnomAD no frequency). This variant has not been reported in the literature in individuals affected with SNRNP200-related conditions. Experimental studies and prediction algorithms are not available or were not evaluated, and the functional significance of this variant is currently unknown. In summary, the available evidence is currently insufficient to determine the role of this variant in disease. Therefore, it has been classified as a Variant of Uncertain Significance.

NM_014014.5(SNRNP200):c.1731AGA[1] (p.Glu579del)

Gene: SNRNP200 (small nuclear ribonucleoprotein U5 subunit 200; minus strand). Cytogenetic location: 2q11.2.
Variant type: Microsatellite.
Coding change: c.1731AGA[1] on transcript NM_014014.5 (MANE Select); one copy of the 3-base unit AGA starting at c.1731; the reference has two copies in a row; one copy, 3 bases deleted.
Protein change: p.Glu579del; deletes glutamic acid 579.
Molecular consequence: inframe deletion.
Genome position (GRCh38, 1-based): chr2:96,295,594-96,295,596, TCT deleted on the plus strand (AGA on the coding strand, the reverse complement: SNRNP200 is on the minus strand); deleting any 3 consecutive bases within chr2:96,295,594-96,295,600 gives the same sequence; the position shown is the placement nearest the transcript's 3' end. VCF-style (leftmost placement, unchanged base first): chr2-96295593-CTCT-C. GRCh37 (hg19) VCF-style: chr2-96961331-CTCT-C.
Other names: short protein forms E579del.
Identifiers: ClinVar variation 2034017 (VCV002034017.4), dbSNP rs2467346515, ClinGen allele CA2580611682.